The following is an entry in ClinVar:

ClinVar aggregate classification (germline): Uncertain significance. Review status: criteria provided, multiple submitters, no conflicts (2 of 4 stars). 3 submissions from 3 submitters: Uncertain significance (3). Last evaluated 2025-03-12.

Conditions:
Hypersulfaturia (HYSULF). Identifiers: MedGen C5830511, MONDO:0957268, OMIM 620372.
Nephrolithiasis susceptibility caused by SLC26A1 (CAON1). Also called: NEPHROLITHIASIS, CALCIUM OXALATE, 1. Identifiers: MedGen C5779632, MONDO:0020722, OMIM 167030.
Inborn genetic diseases. Identifiers: MedGen C0950123, MeSH D030342.

gnomAD v4.1: 80 of 1,589,164 alleles (0.005%); highest among the groups gnomAD compares: South Asian, 0.061%; 1 homozygote.

Submissions (3):

Labcorp Genetics (formerly Invitae), Labcorp
Classification: Uncertain significance. Last evaluated: 2025-03-12. Review status: criteria provided, single submitter. Criteria: Invitae Variant Classification Sherloc (09022015). Collection method: clinical testing. Allele origin: germline.
Comment: This sequence change replaces arginine, which is basic and polar, with histidine, which is basic and polar, at codon 173 of the SLC26A1 protein (p.Arg173His). This variant is present in population databases (rs373582197, gnomAD 0.07%), and has an allele count higher than expected for a pathogenic variant. This variant has not been reported in the literature in individuals affected with SLC26A1-related conditions. ClinVar contains an entry for this variant (Variation ID: 3443541). An algorithm developed to predict the effect of missense changes on protein structure and function (PolyPhen-2) suggests that this variant is likely to be disruptive. In summary, the available evidence is currently insufficient to determine the role of this variant in disease. Therefore, it has been classified as a Variant of Uncertain Significance.

Ambry Genetics
Classification: Uncertain significance for Inborn genetic diseases. Last evaluated: 2024-10-09. Review status: criteria provided, single submitter. Criteria: Ambry Variant Classification Scheme 2023. Collection method: clinical testing. Allele origin: germline.

Fulgent Genetics
Classification: Uncertain significance for Nephrolithiasis susceptibility caused by SLC26A1; Hypersulfaturia. Last evaluated: 2024-01-22. Review status: criteria provided, single submitter. Criteria: ACMG Guidelines, 2015. Collection method: clinical testing. Allele origin: germline.

NM_022042.4(SLC26A1):c.518G>A (p.Arg173His)

Genes: IDUA (alpha-L-iduronidase; plus strand), SLC26A1 (solute carrier family 26 member 1; minus strand). Cytogenetic location: 4p16.3.
Variant type: single nucleotide variant.
Coding change: c.518G>A on transcript NM_022042.4 (MANE Select); coding-DNA position 518, G replaced by A.
Protein change: p.Arg173His; replaces arginine 173 with histidine.
Molecular consequence: missense variant. On other transcripts: intron variant (1).
Genome position (GRCh38, 1-based): chr4:991,186, C>T on the plus strand (G>A on the coding strand, the complement: SLC26A1 is on the minus strand). VCF-style: chr4-991186-C-T. GRCh37 (hg19) VCF-style: chr4-984974-C-T.
Other names: c.518G>A, p.Arg173His (NM_134425.4, NM_213613.4); c.299+3237C>T (NM_000203.5); short protein forms R173H.
Identifiers: ClinVar variation 3443541 (VCV003443541.3).
Genomic context (GRCh38, chr4:991,186, plus strand): 5'-ACCTGGTAAAGCCCGGTCATCAGCGTGAGGGCGGTGGCGACACGGATGGCGTAGCAGTCA[C>T]GCCCGCAGTCCAGCATGGCAGCCGAGCCGTTGAGGGTGCTGCTGTTGGCTCCGGGCTGCA-3'
Protein context (NP_071325.2, residues 163-183): NGSAAMLDCG[Arg173His]DCYAIRVATA